The following is an entry in ClinVar:

ClinVar aggregate classification (germline): Likely pathogenic (1 of 4 stars; one submission).

Submission:

GeneDx
Classification: Likely pathogenic. Last evaluated: 2017-10-17. Review status: criteria provided, single submitter. Criteria: GeneDx Variant Classification (06012015). Collection method: clinical testing. Allele origin: germline. Affected: yes.
Comment: The L431X variant in the PKP2 gene has not been reported as a pathogenic variant or as a benign variant to our knowledge. L431X is predicted to cause loss of normal protein function either by protein truncation or nonsense-mediated mRNA decay. Other nonsense variants in the PKP2 gene have been reported in HGMD in association with ARVC (Stenson et al., 2014). Furthermore, the L431X pathogenic variant was not observed in approximately 6,500 individuals of European and African American ancestry in the NHLBI Exome Sequencing Project, indicating it is not a common benign variant in these populations.

NM_001005242.3(PKP2):c.1292T>A (p.Leu431Ter)

Gene: PKP2 (plakophilin 2; minus strand). Cytogenetic location: 12p11.21.
Variant type: single nucleotide variant.
Coding change: c.1292T>A on transcript NM_001005242.3 (MANE Select); coding-DNA position 1292, T replaced by A.
Protein change: p.Leu431Ter; replaces leucine 431 with a stop codon.
Molecular consequence: nonsense.
Genome position (GRCh38, 1-based): chr12:32,850,852, A>T on the plus strand (T>A on the coding strand, the complement: PKP2 is on the minus strand). VCF-style: chr12-32850852-A-T. GRCh37 (hg19) VCF-style: chr12-33003786-A-T.
Other names: c.1292T>A, p.Leu431Ter (NM_004572.4); short protein forms L431*.
Identifiers: ClinVar variation 265516 (VCV000265516.2), dbSNP rs143397927, ClinGen allele CA10588548.